The following is an entry in ClinVar:

ClinVar aggregate classification (germline): Pathogenic (1 of 4 stars; one submission).

Conditions:
Hereditary sensory and autonomic neuropathy type 6. Also called: Neuropathy, hereditary sensory and autonomic, type VI; HSAN VI. Identifiers: Orphanet 314381, MedGen C3539003, MONDO:0013839, OMIM 614653.
Epidermolysis bullosa simplex 3, localized or generalized intermediate, with BP230 deficiency (EBS3). Also called: Epidermolysis bullosa simplex due to BP230 deficiency; Epidermolysis bullosa simplex, autosomal recessive 2. Identifiers: Orphanet 412181, MedGen C3809470, MONDO:0014180, OMIM 615425.

Submission:

Labcorp Genetics (formerly Invitae), Labcorp
Classification: Pathogenic for Epidermolysis bullosa simplex 3, localized or generalized intermediate, with BP230 deficiency; Hereditary sensory and autonomic neuropathy type 6. Last evaluated: 2021-01-29. Review status: criteria provided, single submitter. Criteria: Invitae Variant Classification Sherloc (09022015). Collection method: clinical testing. Allele origin: germline.
Comment: For these reasons, this variant has been classified as Pathogenic. This variant has not been reported in the literature in individuals with DST-related conditions. This variant is not present in population databases (ExAC no frequency). This sequence change creates a premature translational stop signal (p.Gly2498Valfs*6) in the DST gene. The DST gene has multiple clinically relevant transcripts. This variant occurs in alternate transcript NM_015548.4, and corresponds to NM_001723.5:c.*62085del in the primary transcript. It is expected to result in an absent or disrupted protein product. Loss-of-function variants in DST are known to be pathogenic (PMID: 22522446, 25059916, 30371979).

Literature cited by the submitters: PubMed 22522446; PubMed 25059916; PubMed 30371979.

NM_001374736.1(DST):c.15360del (p.Gly5121fs)

Gene: DST (dystonin; minus strand). Cytogenetic location: 6p12.1.
Variant type: Deletion.
Coding change: c.15360del on transcript NM_001374736.1 (MANE Select); coding-DNA position 15360, one base deleted (A; older notation c.15360delA).
Protein change: p.Gly5121fs; shifts the reading frame from glycine 5121.
Molecular consequence: frameshift variant.
Genome position (GRCh38, 1-based): chr6:56,553,432, T deleted on the plus strand (A on the coding strand, the reverse complement: DST is on the minus strand); the first of 2 consecutive T bases (chr6:56,553,432-56,553,433); deleting either gives the same sequence. VCF-style (leftmost placement, unchanged base first): chr6-56553431-CT-C. GRCh37 (hg19) VCF-style: chr6-56418229-CT-C.
Other names: c.9003del, p.Gly3002fs (NM_001144769.5); c.8589del, p.Gly2864fs (NM_001144770.2); c.15360del, p.Gly5121fs (NM_001374722.1); c.14727del, p.Gly4910fs (NM_001374729.1); c.8469del, p.Gly2824fs (NM_001374730.1, NM_001386100.1, NM_183380.4); c.15387del, p.Gly5130fs (NM_001374734.1); c.7491del, p.Gly2498fs (NM_015548.5); short protein forms G2824fs, G2864fs, G3002fs, G4910fs, G2498fs, G5130fs, G5121fs.
Identifiers: ClinVar variation 1359095 (VCV001359095.6), dbSNP rs2152556195, ClinGen allele CA2573141061.
Genomic context (GRCh38, chr6:56,553,431, plus strand): 5'-TAAGCTGTAACTGTAAGGCTGCCTTCTCAGACCCTTGTGTTTTTAATAACAGATTTTCAC[CT>C]TCTGCAATGGTTTTTTCATACATATGAGACTGAGCGGTCAAAGTTTTACTAAAGTCTTTA-3'